The following is an entry in ClinVar:

ClinVar aggregate classification (germline): Uncertain significance (1 of 4 stars; one submission).

Allele frequency attached by ClinVar (database versions not stated): gnomAD exomes below 0.00001; gnomAD 0.00001; TOPMed 0.00001.
gnomAD v4.1: 7 of 1,613,978 alleles (0.00043%); highest among the groups gnomAD compares: South Asian, 0.0011%; no homozygotes.

Submission:

GeneDx
Classification: Uncertain significance. Last evaluated: 2022-11-18. Review status: criteria provided, single submitter. Criteria: GeneDx Variant Classification Process June 2021. Collection method: clinical testing. Allele origin: germline. Affected: yes.
Comment: Not observed at significant frequency in large population cohorts (gnomAD); In silico analysis supports that this missense variant does not alter protein structure/function; Has not been previously published as pathogenic or benign to our knowledge

NM_013275.6(ANKRD11):c.946G>A (p.Gly316Ser)

Gene: ANKRD11 (ankyrin repeat domain containing 11; minus strand). Cytogenetic location: 16q24.3.
Variant type: single nucleotide variant.
Coding change: c.946G>A on transcript NM_013275.6 (MANE Select); coding-DNA position 946, G replaced by A.
Protein change: p.Gly316Ser; replaces glycine 316 with serine.
Molecular consequence: missense variant.
Genome position (GRCh38, 1-based): chr16:89,285,596, C>T on the plus strand (G>A on the coding strand, the complement: ANKRD11 is on the minus strand). VCF-style: chr16-89285596-C-T. GRCh37 (hg19) VCF-style: chr16-89352004-C-T.
Other names: c.946G>A, p.Gly316Ser (NM_001256182.2, NM_001256183.2); short protein forms G316S.
Identifiers: ClinVar variation 2502744 (VCV002502744.1), dbSNP rs922151127, ClinGen allele CA286522192.
Genomic context (GRCh38, chr16:89,285,596, plus strand): 5'-GCTCTGGGTTCTTGGCCTTGTGCTTGAGGCCTTTTTCGAACTCGGAGTCCGTGTTGTTGC[C>T]GTCGACTGAACTGGAAGGTGCGAAGGATGGTGCGTCTTCCTCTTCTGAGCTCTCTGTTGG-3'
Protein context (NP_037407.4, residues 306-326): PSFAPSSSVD[Gly316Ser]NNTDSEFEKG